The following is an entry in ClinVar:

ClinVar aggregate classification (germline): Uncertain significance. Review status: criteria provided, multiple submitters, no conflicts (2 of 4 stars). 2 submissions from 2 submitters: Uncertain significance (2). Last evaluated 2025-08-03.

Conditions:
Inborn genetic diseases. Identifiers: MedGen C0950123, MeSH D030342.
Meckel-Gruber syndrome. Also called: Dysencephalia splachnocystica; DYSENCEPHALIA SPLANCHNOCYSTICA; GRUBER SYNDROME. Identifiers: Orphanet 564, MedGen C0265215, MONDO:0018921.
Joubert syndrome. Also called: Familial aplasia of the vermis; CEREBELLOPARENCHYMAL DISORDER IV; JOUBERT-BOLTSHAUSER SYNDROME. Identifiers: Orphanet 475, MedGen C5979921, MONDO:0018772.

Allele frequency attached by ClinVar (database versions not stated): gnomAD exomes below 0.00001; TOPMed below 0.00001.

Submissions (2):

Ambry Genetics
Classification: Uncertain significance for Inborn genetic diseases. Last evaluated: 2025-08-03. Review status: criteria provided, single submitter. Criteria: Ambry Variant Classification Scheme 2023. Collection method: clinical testing. Allele origin: germline.

Labcorp Genetics (formerly Invitae), Labcorp
Classification: Uncertain significance for Joubert syndrome; Meckel-Gruber syndrome. Last evaluated: 2019-10-28. Review status: criteria provided, single submitter. Criteria: Invitae Variant Classification Sherloc (09022015). Collection method: clinical testing. Allele origin: germline.
Comment: This sequence change replaces methionine with threonine at codon 1078 of the RPGRIP1L protein (p.Met1078Thr). The methionine residue is weakly conserved and there is a moderate physicochemical difference between methionine and threonine. This variant is not present in population databases (ExAC no frequency). This variant has not been reported in the literature in individuals with RPGRIP1L-related conditions. Algorithms developed to predict the effect of missense changes on protein structure and function (SIFT, PolyPhen-2, Align-GVGD) all suggest that this variant is likely to be tolerated, but these predictions have not been confirmed by published functional studies and their clinical significance is uncertain. In summary, the available evidence is currently insufficient to determine the role of this variant in disease. Therefore, it has been classified as a Variant of Uncertain Significance.

NM_015272.5(RPGRIP1L):c.3233T>C (p.Met1078Thr)

Gene: RPGRIP1L (RPGRIP1 like; minus strand). Cytogenetic location: 16q12.2.
Variant type: single nucleotide variant.
Coding change: c.3233T>C on transcript NM_015272.5 (MANE Select); coding-DNA position 3233, T replaced by C.
Protein change: p.Met1078Thr; replaces methionine 1078 with threonine.
Molecular consequence: missense variant.
Genome position (GRCh38, 1-based): chr16:53,636,500, A>G on the plus strand (T>C on the coding strand, the complement: RPGRIP1L is on the minus strand). VCF-style: chr16-53636500-A-G. GRCh37 (hg19) VCF-style: chr16-53670412-A-G.
Other names: c.3131T>C, p.Met1044Thr (NM_001127897.4, NM_001330538.2); c.3233T>C, p.Met1078Thr (NM_001308334.3); short protein forms M1044T, M1078T.
Identifiers: ClinVar variation 971710 (VCV000971710.11), dbSNP rs1391765743, ClinGen allele CA395925826.